The following is an entry in ClinVar:

NM_001040142.2(SCN2A):c.2017-148G>T

Gene: SCN2A (sodium voltage-gated channel alpha subunit 2; plus strand). Cytogenetic location: 2q24.3.
Variant type: single nucleotide variant.
Coding change: c.2017-148G>T on transcript NM_001040142.2 (MANE Select); 148 bases into the intron before coding-DNA position 2017, G replaced by T.
Molecular consequence: intron variant.
Genome position (GRCh38, 1-based): chr2:165,326,704, G>T. VCF-style: chr2-165326704-G-T. GRCh37 (hg19) VCF-style: chr2-166183214-G-T.
Other names: c.2017-148G>T (NM_001040143.2, NM_001371246.1, NM_001371247.1 and 1 more transcripts).
Identifiers: ClinVar variation 669320 (VCV000669320.1), dbSNP rs12993173, ClinGen allele CA59738759.

ClinVar aggregate classification (germline): Benign (1 of 4 stars; one submission).

Allele frequency attached by ClinVar (database versions not stated): 1000 Genomes Project 0.50300; 1000 Genomes Project 30x 0.50874; gnomAD 0.55589 and 0.56088; TOPMed 0.56012.
gnomAD v4.1: 539,140 of 986,308 alleles (55%); highest among the groups gnomAD compares: African/African-American, 61%; 151,165 homozygotes.

Submission:

GeneDx
Classification: Benign. Last evaluated: 2018-06-14. Review status: criteria provided, single submitter. Criteria: GeneDx Variant Classification (06012015). Collection method: clinical testing. Allele origin: germline. Affected: yes.
Comment: This variant is considered likely benign or benign based on one or more of the following criteria: it is a conservative change, it occurs at a poorly conserved position in the protein, it is predicted to be benign by multiple in silico algorithms, and/or has population frequency not consistent with disease.